The following is an entry in ClinVar:

NM_001039141.3(TRIOBP):c.4436dup (p.Thr1480fs)

Gene: TRIOBP (TRIO and F-actin binding protein; plus strand). Cytogenetic location: 22q13.1.
Variant type: Duplication.
Coding change: c.4436dup on transcript NM_001039141.3 (MANE Select); coding-DNA position 4436, one base duplicated (G; older notation c.4436dupG).
Protein change: p.Thr1480fs; shifts the reading frame from threonine 1480.
Molecular consequence: frameshift variant.
Genome position (GRCh38, 1-based): chr22:37,734,772, G duplicated; the last of 7 consecutive G bases (chr22:37,734,766-37,734,772); duplicating any one gives the same sequence. VCF-style (leftmost placement, unchanged base first): chr22-37734765-T-TG. GRCh37 (hg19) VCF-style: chr22-38130772-T-TG.
Other names: short protein forms T1480fs.
Identifiers: ClinVar variation 1804559 (VCV001804559.4), dbSNP rs756145453, ClinGen allele CA10224376.
Genomic context (GRCh38, chr22:37,734,765, plus strand): 5'-GGGGGCTGGTGGGGATGTGGAGAGCCCAGCCTGGGGGCAGCCAAAGCCCCGGAGGGAGCA[T>TG]GGGGGGGCACTTCCAGGGAGTACAAGGAGAGCTGGGGGCAGCCAGAGGCCTGGGAGGAGA-3'

ClinVar aggregate classification (germline): Pathogenic/Likely pathogenic. Review status: criteria provided, multiple submitters, no conflicts (2 of 4 stars). 2 submissions from 2 submitters: Pathogenic (1); Likely pathogenic (1). Last evaluated 2025-01-28.

Submissions (2):

Labcorp Genetics (formerly Invitae), Labcorp
Classification: Pathogenic. Last evaluated: 2025-01-28. Review status: criteria provided, single submitter. Criteria: Invitae Variant Classification Sherloc (09022015). Collection method: clinical testing. Allele origin: germline.
Comment: This sequence change creates a premature translational stop signal (p.Thr1480Hisfs*22) in the TRIOBP gene. It is expected to result in an absent or disrupted protein product. Loss-of-function variants in TRIOBP are known to be pathogenic (PMID: 16385457, 16385458, 20510926). The frequency data for this variant in the population databases is considered unreliable, as metrics indicate poor data quality at this position in the gnomAD database. This premature translational stop signal has been observed in individual(s) with deafness (PMID: 30896630). This variant is also known as c.4429_4430insG (p.Trp1477TrpfsX25). ClinVar contains an entry for this variant (Variation ID: 1804559). For these reasons, this variant has been classified as Pathogenic.

GeneDx
Classification: Likely pathogenic. Last evaluated: 2023-12-04. Review status: criteria provided, single submitter. Criteria: GeneDx Variant Classification Process June 2021. Collection method: clinical testing. Allele origin: germline.
Comment: Reported in a patient with hearing loss in published literature; this patient was also noted to harbor two SLC26A4 variants (phase unknown) (PMID: 30896630); Frameshift variant predicted to result in protein truncation or nonsense mediated decay in a gene for which loss of function is a known mechanism of disease; Not observed at significant frequency in large population cohorts (gnomAD); This variant is associated with the following publications: (PMID: 30896630)

Literature cited by the submitters: PubMed 16385457 (cited by Labcorp Genetics (formerly Invitae), Labcorp); PubMed 16385458 (cited by Labcorp Genetics (formerly Invitae), Labcorp); PubMed 20510926 (cited by Labcorp Genetics (formerly Invitae), Labcorp); PubMed 30896630 (cited by Labcorp Genetics (formerly Invitae), Labcorp).